The following is an entry in ClinVar:

ClinVar aggregate classification (germline): Likely benign (1 of 4 stars; one submission).

Allele frequency attached by ClinVar (database versions not stated): ESP Exome Variant Server 0.00023; gnomAD exomes 0.00031 and 0.00055; ExAC 0.00037; TOPMed 0.00037; gnomAD 0.00041.
gnomAD v4.1: 814 of 1,539,420 alleles (0.053%); highest among the groups gnomAD compares: Non-Finnish European, 0.068%; no homozygotes.

Submission:

GeneDx
Classification: Likely benign. Last evaluated: 2021-10-30. Review status: criteria provided, single submitter. Criteria: GeneDx Variant Classification Process June 2021. Collection method: clinical testing. Allele origin: germline. Affected: yes.
Comment: See Variant Classification Assertion Criteria.

NM_172362.3(KCNH1):c.1463-39C>T

Gene: KCNH1 (potassium voltage-gated channel subfamily H member 1; minus strand). Cytogenetic location: 1q32.2.
Variant type: single nucleotide variant.
Coding change: c.1463-39C>T on transcript NM_172362.3 (MANE Select); 39 bases into the intron before coding-DNA position 1463, C replaced by T.
Molecular consequence: intron variant.
Genome position (GRCh38, 1-based): chr1:210,804,205, G>A on the plus strand (C>T on the coding strand, the complement: KCNH1 is on the minus strand). VCF-style: chr1-210804205-G-A. GRCh37 (hg19) VCF-style: chr1-210977547-G-A.
Other names: c.1382-39C>T (NM_002238.4).
Identifiers: ClinVar variation 1683848 (VCV001683848.2), dbSNP rs373676986, ClinGen allele CA1379872.